The following is an entry in ClinVar:

ClinVar aggregate classification (germline): Pathogenic. Review status: criteria provided, multiple submitters, no conflicts (2 of 4 stars). 2 submissions from 2 submitters: Pathogenic (2). Last evaluated 2024-11-07.

Conditions:
Mowat-Wilson syndrome (MOWS). Also called: Classic Mowat-Wilson Syndrome. Identifiers: Orphanet 2152, MedGen C1856113, MONDO:0009341, OMIM 235730.
Inborn genetic diseases. Identifiers: MedGen C0950123, MeSH D030342.

Submissions (2):

Ambry Genetics
Classification: Pathogenic for Inborn genetic diseases. Last evaluated: 2024-11-07. Review status: criteria provided, single submitter. Criteria: Ambry Variant Classification Scheme 2023. Collection method: clinical testing. Allele origin: germline.
Comment: The c.1489C>T (p.Q497*) alteration, located in exon 8 (coding exon 7) of the ZEB2 gene, consists of a C to T substitution at nucleotide position 1489. This changes the amino acid from a glutamine (Q) to a stop codon at amino acid position 497. This alteration is expected to result in loss of function by premature protein truncation or nonsense-mediated mRNA decay. This variant was not reported in population-based cohorts in the Genome Aggregation Database (gnomAD). This variant was reported in an individual with features consistent with Mowat-Wilson syndrome (Ishihara, 2004). Based on the available evidence, this alteration is classified as pathogenic.

Genetic Services Laboratory, University of Chicago
Classification: Pathogenic for Mowat-Wilson syndrome. Last evaluated: 2016-01-12. Review status: criteria provided, single submitter. Criteria: ACMG Guidelines, 2015. Collection method: clinical testing. Allele origin: germline. Affected: yes.

Literature cited by the submitters: PubMed 15121779 (cited by Ambry Genetics).

NM_014795.4(ZEB2):c.1489C>T (p.Gln497Ter)

Gene: ZEB2 (zinc finger E-box binding homeobox 2; minus strand). Cytogenetic location: 2q22.3.
Variant type: single nucleotide variant.
Coding change: c.1489C>T on transcript NM_014795.4 (MANE Select); coding-DNA position 1489, C replaced by T.
Protein change: p.Gln497Ter; replaces glutamine 497 with a stop codon.
Molecular consequence: nonsense.
Genome position (GRCh38, 1-based): chr2:144,399,698, G>A on the plus strand (C>T on the coding strand, the complement: ZEB2 is on the minus strand). VCF-style: chr2-144399698-G-A. GRCh37 (hg19) VCF-style: chr2-145157265-G-A.
Other names: c.1417C>T, p.Gln473Ter (NM_001171653.2); short protein forms Q497*, Q473*.
Identifiers: ClinVar variation 437333 (VCV000437333.7), dbSNP rs1553961702, ClinGen allele CA348711270.